The following is an entry in ClinVar:

ClinVar aggregate classification (germline): Likely benign (1 of 4 stars; one submission).

gnomAD v4.1: 5 of 1,613,334 alleles (0.00031%); highest among the groups gnomAD compares: Admixed American, 0.0067%; 1 homozygote.

Submission:

CeGaT Center for Human Genetics Tuebingen
Classification: Likely benign. Last evaluated: 2026-08-01. Review status: criteria provided, single submitter. Criteria: CeGaT Center For Human Genetics Tuebingen Variant Classification Criteria Version 2. Collection method: clinical testing. Allele origin: germline. Affected: yes. Observed: 1 variant allele.
Comment: TTC21A: BP4, BP7

NM_001366900.1(TTC21A):c.2124C>T (p.Ile708=)

Gene: TTC21A (tetratricopeptide repeat domain 21A; plus strand). Cytogenetic location: 3p22.2.
Variant type: single nucleotide variant.
Coding change: c.2124C>T on transcript NM_001366900.1 (MANE Select); coding-DNA position 2124, C replaced by T.
Protein change: p.Ile708=; no amino-acid change (isoleucine 708 retained).
Molecular consequence: synonymous variant. On other transcripts: non-coding transcript variant (3).
Genome position (GRCh38, 1-based): chr3:39,129,299, C>T. VCF-style: chr3-39129299-C-T. GRCh37 (hg19) VCF-style: chr3-39170790-C-T.
Other names: c.2001C>T, p.Ile667= (NM_001105513.3); c.2148C>T, p.Ile716= (NM_001366899.1); c.2145C>T, p.Ile715= (NM_145755.3).
Identifiers: ClinVar variation 5040523 (VCV005040523.1).